The following is an entry in ClinVar:

ClinVar aggregate classification (germline): Uncertain significance (1 of 4 stars; one submission).

Conditions:
Multiple myeloma (MM). Also called: Plasma cell myeloma; Multiple myeloma, somatic. Identifiers: Orphanet 29073, Orphanet 85443, MedGen C0026764, MeSH D009101, MONDO:0009693, OMIM 254500, HP:0006775.

Allele frequency attached by ClinVar (database versions not stated): gnomAD exomes below 0.00001 and 0.00001.

Submission:

Baylor Genetics
Classification: Uncertain significance for Multiple myeloma. Last evaluated: 2019-07-29. Review status: criteria provided, single submitter. Criteria: ACMG Guidelines, 2015. Collection method: clinical testing. Allele origin: unknown. Affected: yes.
Comment: This variant was determined to be of uncertain significance according to ACMG Guidelines, 2015 [PMID:25741868].

NM_206937.2(LIG4):c.2422T>C (p.Ser808Pro)

Gene: LIG4 (DNA ligase 4; minus strand). Cytogenetic location: 13q33.3.
Variant type: single nucleotide variant.
Coding change: c.2422T>C on transcript NM_206937.2 (MANE Select); coding-DNA position 2422, T replaced by C.
Protein change: p.Ser808Pro; replaces serine 808 with proline.
Molecular consequence: missense variant.
Genome position (GRCh38, 1-based): chr13:108,208,847, A>G on the plus strand (T>C on the coding strand, the complement: LIG4 is on the minus strand). VCF-style: chr13-108208847-A-G. GRCh37 (hg19) VCF-style: chr13-108861195-A-G.
Other names: c.2422T>C, p.Ser808Pro (NM_001098268.2, NM_001352598.2, NM_001352599.2 and 6 more transcripts); c.2221T>C, p.Ser741Pro (NM_001330595.2); c.2458T>C, p.Ser820Pro (NM_001352604.2); short protein forms S808P, S741P, S820P.
Identifiers: ClinVar variation 1029589 (VCV001029589.1), dbSNP rs1284344984, ClinGen allele CA388613200.